The following is an entry in ClinVar:

ClinVar aggregate classification (germline): Pathogenic/Likely pathogenic. Review status: criteria provided, multiple submitters, no conflicts (2 of 4 stars). 3 submissions from 3 submitters: Pathogenic (1); Likely pathogenic (2). Last evaluated 2026-08-06.

Conditions:
Autosomal recessive nonsyndromic hearing loss 77. Identifiers: Orphanet 90636, MedGen C2746083, MONDO:0013119, OMIM 613079.
Nonsyndromic genetic hearing loss. Also called: Nonsyndromic genetic deafness; Non-syndromic genetic deafness; Nonsyndromic hearing loss and deafness. Identifiers: Orphanet 87884, MedGen C5680182, MONDO:0019497.

Allele frequency attached by ClinVar (database versions not stated): TOPMed 0.00001; gnomAD exomes below 0.00001; gnomAD 0.00001.
gnomAD v4.1: 3 of 1,551,638 alleles (0.00019%); highest among the groups gnomAD compares: Admixed American, 0.002%; no homozygotes.

Submissions (3):

OLLIN Analises Genomicas, OLLIN
Classification: Pathogenic for Autosomal recessive nonsyndromic hearing loss 77. Last evaluated: 2026-08-06. Review status: criteria provided, single submitter. Criteria: ACMG Guidelines 2015 PMID 25741868. Collection method: clinical testing. Allele origin: germline. Inheritance: Autosomal recessive inheritance.
Comment: This variant, located at the canonical splicing site (splice donor), has been reported in ClinVar (accession VCV000654972.7) and in gnomAD with an allele frequency of 0.00019%. However, to our knowledge, it has not been reported in the scientific literature. This variant is predicted to disrupt a canonical splice site, potentially leading to exon skipping, mRNA degradation via nonsense-mediated decay (NMD), or production of a truncated protein. Another pathogenic variant has been reported to result in the same amino acid substitution. According to the currently available evidence, this variant has been classified as pathogenic (PVS1, PS1_P, PM2_P).

Women's Health and Genetics/Laboratory Corporation of America, LabCorp
Classification: Likely pathogenic for Nonsyndromic genetic hearing loss. Last evaluated: 2026-03-16. Review status: criteria provided, single submitter. Criteria: LabCorp Variant Classification Summary - May 2015. Collection method: clinical testing. Allele origin: germline.
Comment: Variant summary: LOXHD1 c.2047+1G>A is located in a canonical splice-site and is predicted to affect mRNA splicing resulting in a significantly altered protein due to either exon skipping, shortening, or inclusion of intronic material. Variants that disrupt the consensus splice site are a relatively common cause of aberrant splicing and loss of LOXHD1 function. Several computational tools predict a significant impact on normal splicing: Four predict the variant abolishes a 5' splicing donor site. However, these predictions have yet to be confirmed by functional studies. The variant allele was found at a frequency of 6.3e-06 in 158680 control chromosomes. To our knowledge, no occurrence of c.2047+1G>A in individuals affected with LOXHD1-related conditions and no experimental evidence demonstrating its impact on protein function have been reported. ClinVar contains an entry for this variant (Variation ID: 2895650). Based on the evidence outlined above, the variant was classified as likely pathogenic.

Labcorp Genetics (formerly Invitae), Labcorp
Classification: Likely pathogenic. Last evaluated: 2023-12-19. Review status: criteria provided, single submitter. Criteria: Invitae Variant Classification Sherloc (09022015). Collection method: clinical testing. Allele origin: germline.
Comment: This sequence change affects a donor splice site in intron 15 of the LOXHD1 gene. It is expected to disrupt RNA splicing. Variants that disrupt the donor or acceptor splice site typically lead to a loss of protein function (PMID: 16199547), and loss-of-function variants in LOXHD1 are known to be pathogenic (PMID: 19732867, 21465660, 25792669). This variant is present in population databases (no rsID available, gnomAD 0.006%). This variant has not been reported in the literature in individuals affected with LOXHD1-related conditions. Algorithms developed to predict the effect of sequence changes on RNA splicing suggest that this variant may disrupt the consensus splice site. In summary, the currently available evidence indicates that the variant is pathogenic, but additional data are needed to prove that conclusively. Therefore, this variant has been classified as Likely Pathogenic.

Literature cited by the submitters: PubMed 16199547 (cited by Labcorp Genetics (formerly Invitae), Labcorp); PubMed 19732867 (cited by Labcorp Genetics (formerly Invitae), Labcorp); PubMed 21465660 (cited by Labcorp Genetics (formerly Invitae), Labcorp); PubMed 25792669 (cited by Labcorp Genetics (formerly Invitae), Labcorp).

NM_001384474.1(LOXHD1):c.2047+1G>A

Gene: LOXHD1 (lipoxygenase homology PLAT domains 1; minus strand). Cytogenetic location: 18q21.1.
Variant type: single nucleotide variant.
Coding change: c.2047+1G>A on transcript NM_001384474.1 (MANE Select); the canonical splice donor site of the intron after coding-DNA position 2047, G replaced by A.
Molecular consequence: splice donor variant.
Genome position (GRCh38, 1-based): chr18:46,572,085, C>T on the plus strand (G>A on the coding strand, the complement: LOXHD1 is on the minus strand). VCF-style: chr18-46572085-C-T. GRCh37 (hg19) VCF-style: chr18-44152048-C-T.
Other names: c.2047+1G>A (NM_144612.7).
Identifiers: ClinVar variation 2895650 (VCV002895650.5), dbSNP rs867069460, ClinGen allele CA299798503.